The following is an entry in ClinVar:

ClinVar aggregate classification (germline): Uncertain significance (1 of 4 stars; one submission).

Submission:

GeneDx
Classification: Uncertain significance. Last evaluated: 2026-08-18. Review status: criteria provided, single submitter. Criteria: GeneDx Variant Classification Process June 2021. Collection method: clinical testing. Allele origin: germline.
Comment: In silico analysis supports that this missense variant has a deleterious effect on protein structure/function; Has not been previously published as pathogenic or benign to our knowledge

NM_004663.5(RAB11A):c.86C>T (p.Ser29Phe)

Gene: RAB11A (RAB11A, member RAS oncogene family; plus strand). Cytogenetic location: 15q22.31.
Variant type: single nucleotide variant.
Coding change: c.86C>T on transcript NM_004663.5 (MANE Select); coding-DNA position 86, C replaced by T.
Protein change: p.Ser29Phe; replaces serine 29 with phenylalanine.
Molecular consequence: missense variant.
Genome position (GRCh38, 1-based): chr15:65,877,377, C>T. VCF-style: chr15-65877377-C-T. GRCh37 (hg19) VCF-style: chr15-66169715-C-T.
Other names: c.86C>T, p.Ser29Phe (NM_001206836.2); short protein forms S29F.
Identifiers: ClinVar variation 4527330 (VCV004527330.2).